The following is an entry in ClinVar:

ClinVar aggregate classification (germline): Uncertain significance. Review status: criteria provided, multiple submitters, no conflicts (2 of 4 stars). 3 submissions from 3 submitters: Uncertain significance (3). Last evaluated 2024-01-22.

Conditions:
Sneddon syndrome (SNDNS). Also called: Idiopathic livedo reticularis with systemic involvement; LIVEDO RETICULARIS AND CEREBROVASCULAR ACCIDENTS. Identifiers: Orphanet 820, MedGen C0282492, MONDO:0008436, OMIM 182410.
Deficiency of adenosine deaminase 2. Also called: Polyarteritis nodosa, childhoood-onset; Adenosine Deaminase 2 Deficiency; VASCULITIS, AUTOINFLAMMATION, IMMUNODEFICIENCY, AND HEMATOLOGIC DEFECTS SYNDROME. Identifiers: Orphanet 404553, MedGen C3887654, MONDO:0014306, OMIM 615688, MONDO:0100317.

Allele frequency attached by ClinVar (database versions not stated): gnomAD exomes below 0.00001 and 0.00003; TOPMed 0.00001.
gnomAD v4.1: 38 of 1,614,160 alleles (0.0024%); highest among the groups gnomAD compares: Non-Finnish European, 0.0029%; no homozygotes.

Submissions (3):

Fulgent Genetics
Classification: Uncertain significance for Sneddon syndrome; Deficiency of adenosine deaminase 2. Last evaluated: 2024-01-22. Review status: criteria provided, single submitter. Criteria: ACMG Guidelines, 2015. Collection method: clinical testing. Allele origin: germline.

Labcorp Genetics (formerly Invitae), Labcorp
Classification: Uncertain significance for Deficiency of adenosine deaminase 2. Last evaluated: 2023-09-27. Review status: criteria provided, single submitter. Criteria: Invitae Variant Classification Sherloc (09022015). Collection method: clinical testing. Allele origin: germline.
Comment: In summary, the available evidence is currently insufficient to determine the role of this variant in disease. Therefore, it has been classified as a Variant of Uncertain Significance. Advanced modeling of protein sequence and biophysical properties (such as structural, functional, and spatial information, amino acid conservation, physicochemical variation, residue mobility, and thermodynamic stability) has been performed at Invitae for this missense variant, however the output from this modeling did not meet the statistical confidence thresholds required to predict the impact of this variant on ADA2 protein function. ClinVar contains an entry for this variant (Variation ID: 871769). This variant has not been reported in the literature in individuals affected with ADA2-related conditions. This variant is present in population databases (no rsID available, gnomAD 0.0009%). This sequence change replaces asparagine, which is neutral and polar, with serine, which is neutral and polar, at codon 60 of the ADA2 protein (p.Asn60Ser).

CeGaT Center for Human Genetics Tuebingen
Classification: Uncertain significance. Last evaluated: 2019-07-01. Review status: criteria provided, single submitter. Criteria: CeGaT Center For Human Genetics Tuebingen Variant Classification Criteria Version 2. Collection method: clinical testing. Allele origin: germline. Affected: yes. Observed: 1 variant allele.

NM_001282225.2(ADA2):c.179A>G (p.Asn60Ser)

Gene: ADA2 (adenosine deaminase 2; minus strand). Cytogenetic location: 22q11.1.
Variant type: single nucleotide variant.
Coding change: c.179A>G on transcript NM_001282225.2 (MANE Select); coding-DNA position 179, A replaced by G.
Protein change: p.Asn60Ser; replaces asparagine 60 with serine.
Molecular consequence: missense variant. On other transcripts: intron variant (1).
Genome position (GRCh38, 1-based): chr22:17,209,499, T>C on the plus strand (A>G on the coding strand, the complement: ADA2 is on the minus strand). VCF-style: chr22-17209499-T-C. GRCh37 (hg19) VCF-style: chr22-17690389-T-C.
Other names: c.179A>G, p.Asn60Ser (NM_001282226.2); c.53A>G, p.Asn18Ser (NM_001282227.2, NM_001282228.2); c.-38-2209A>G (NM_001282229.2); short protein forms N18S, N60S.
Identifiers: ClinVar variation 871769 (VCV000871769.48), dbSNP rs878901507, ClinGen allele CA321167140.